The following is an entry in ClinVar:

ClinVar aggregate classification (germline): Uncertain significance (1 of 4 stars; one submission).

Conditions:
Fanconi anemia (FA). Also called: Fanconi's anemia. Identifiers: Orphanet 84, MedGen C0015625, MeSH D005199, MONDO:0019391.

Allele frequency attached by ClinVar (database versions not stated): gnomAD exomes below 0.00001; TOPMed below 0.00001.
gnomAD v4.1: 4 of 1,581,836 alleles (0.00025%); highest among the groups gnomAD compares: East Asian, 0.0023%; no homozygotes.

Submission:

Labcorp Genetics (formerly Invitae), Labcorp
Classification: Uncertain significance for Fanconi anemia. Last evaluated: 2024-02-12. Review status: criteria provided, single submitter. Criteria: Invitae Variant Classification Sherloc (09022015). Collection method: clinical testing. Allele origin: germline.
Comment: This sequence change replaces histidine, which is basic and polar, with tyrosine, which is neutral and polar, at codon 1429 of the SLX4 protein (p.His1429Tyr). This variant is not present in population databases (gnomAD no frequency). This variant has not been reported in the literature in individuals affected with SLX4-related conditions. An algorithm developed to predict the effect of missense changes on protein structure and function (PolyPhen-2) suggests that this variant is likely to be disruptive. In summary, the available evidence is currently insufficient to determine the role of this variant in disease. Therefore, it has been classified as a Variant of Uncertain Significance.

NM_032444.4(SLX4):c.4285C>T (p.His1429Tyr)

Gene: SLX4 (SLX4 structure-specific endonuclease subunit; minus strand). Cytogenetic location: 16p13.3.
Variant type: single nucleotide variant.
Coding change: c.4285C>T on transcript NM_032444.4 (MANE Select); coding-DNA position 4285, C replaced by T.
Protein change: p.His1429Tyr; replaces histidine 1429 with tyrosine.
Molecular consequence: missense variant.
Genome position (GRCh38, 1-based): chr16:3,589,353, G>A on the plus strand (C>T on the coding strand, the complement: SLX4 is on the minus strand). VCF-style: chr16-3589353-G-A. GRCh37 (hg19) VCF-style: chr16-3639354-G-A.
Other names: short protein forms H1429Y.
Identifiers: ClinVar variation 2892940 (VCV002892940.3), dbSNP rs1657997697, ClinGen allele CA16622079.
Genomic context (GRCh38, chr16:3,589,353, plus strand): 5'-GGGGGCCGGTCCGCTCCAGGTTCCAGTGGTCAATGGGAATTGGCGAGAGGGGCTCCATGT[G>A]CCAGCAGCAGTCGTCAATTGGAATTGGGGGGTCACTGTCCAGTGGGGGGCTTCTGTTGGC-3'
Protein context (NP_115820.2, residues 1419-1439): PPIPIDDCCW[His1429Tyr]MEPLSPIPID